The following is an entry in ClinVar:

ClinVar aggregate classification (germline): Conflicting classifications of pathogenicity. Review status: criteria provided, conflicting classifications (1 of 4 stars). 2 submissions from 1 submitter: Uncertain significance (1); Benign (1). Last evaluated 2018-01-12.

Conditions:
Liddle syndrome 2. Identifiers: MedGen C4748251, MONDO:0020854, OMIM 618114.
Pseudohypoaldosteronism, type IB1, autosomal recessive. Also called: Pseudohypoaldosteronism, Type I, Autosomal Recessive; PHA I, AUTOSOMAL RECESSIVE; Pseudohypoaldosteronism, Type I, Recessive; Autosomal recessive pseudohypoaldosteronism type 1. Identifiers: Orphanet 171876, Orphanet 756, MedGen C5774176, MONDO:0009917, OMIM 264350.

Allele frequency attached by ClinVar (database versions not stated): gnomAD 0.00001; gnomAD exomes 0.00003 and 0.00014; TOPMed 0.00009; ExAC 0.00012.
gnomAD v4.1: 42 of 1,613,534 alleles (0.0026%); highest among the groups gnomAD compares: Admixed American, 0.067%; no homozygotes.

Submissions (2):

Illumina Laboratory Services, Illumina
Classification: Uncertain significance for Pseudohypoaldosteronism, type IB1, autosomal recessive. Last evaluated: 2018-01-12. Review status: criteria provided, single submitter. Criteria: ICSL Variant Classification Criteria 13 December 2019. Collection method: clinical testing. Allele origin: germline.

Illumina Laboratory Services, Illumina
Classification: Benign for Liddle syndrome 2. Last evaluated: 2018-01-12. Review status: criteria provided, single submitter. Criteria: ICSL Variant Classification Criteria 13 December 2019. Collection method: clinical testing. Allele origin: germline.
Comment: This variant was observed in the ICSL laboratory as part of a predisposition screen in an ostensibly healthy population. It had not been previously curated by ICSL or reported in the Human Gene Mutation Database (HGMD: prior to June 1st, 2018), and was therefore a candidate for classification through an automated scoring system. Utilizing variant allele frequency, disease prevalence and penetrance estimates, and inheritance mode, an automated score was calculated to assess if this variant is too frequent to cause the disease. Based on the score and internal cut-off values, a variant classified as benign is not then subjected to further curation. The score for this variant resulted in a classification of benign for this disease.

NM_001039.4(SCNN1G):c.-23G>A

Gene: SCNN1G (sodium channel epithelial 1 subunit gamma; plus strand). Cytogenetic location: 16p12.2.
Variant type: single nucleotide variant.
Coding change: c.-23G>A on transcript NM_001039.4 (MANE Select); 23 bases upstream of the start codon, G replaced by A.
Molecular consequence: 5 prime UTR variant.
Genome position (GRCh38, 1-based): chr16:23,186,249, G>A. VCF-style: chr16-23186249-G-A. GRCh37 (hg19) VCF-style: chr16-23197570-G-A.
Identifiers: ClinVar variation 318345 (VCV000318345.5), dbSNP rs762522517, ClinGen allele CA7959464.